The following is an entry in ClinVar:

NM_006929.5(SKIC2):c.1020T>C (p.Val340=)

Genes: SKIC2 (SKI2 subunit of superkiller complex; plus strand), LOC126859653 (CDK7 strongly-dependent group 2 enhancer GRCh37_chr6:31929542-31930741; plus strand). Cytogenetic location: 6p21.33.
Variant type: single nucleotide variant.
Coding change: c.1020T>C on transcript NM_006929.5 (MANE Select); coding-DNA position 1020, T replaced by C.
Protein change: p.Val340=; no amino-acid change (valine 340 retained).
Molecular consequence: synonymous variant.
Genome position (GRCh38, 1-based): chr6:31,962,010, T>C. VCF-style: chr6-31962010-T-C. GRCh37 (hg19) VCF-style: chr6-31929787-T-C.
Identifiers: ClinVar variation 905833 (VCV000905833.14), dbSNP rs61761944, ClinGen allele CA3729321.

ClinVar aggregate classification (germline): Conflicting classifications of pathogenicity. Review status: criteria provided, conflicting classifications (1 of 4 stars). 4 submissions from 4 submitters: Uncertain significance (1); Likely benign (3). Last evaluated 2026-09-01.

Conditions:
Trichohepatoenteric syndrome 2 (THES2). Identifiers: Orphanet 84064, MedGen C3281289, MONDO:0013818, OMIM 614602.

Allele frequency attached by ClinVar (database versions not stated): 1000 Genomes Project 30x 0.00031; TOPMed 0.00048; gnomAD 0.00057 and 0.00058; ExAC 0.00063; gnomAD exomes 0.00065 and 0.00098; ESP Exome Variant Server 0.00071.
gnomAD v4.1: 1,491 of 1,613,086 alleles (0.092%); highest among the groups gnomAD compares: Non-Finnish European, 0.12%; 3 homozygotes.

Submissions (4):

CeGaT Center for Human Genetics Tuebingen
Classification: Likely benign. Last evaluated: 2026-09-01. Review status: criteria provided, single submitter. Criteria: CeGaT Center For Human Genetics Tuebingen Variant Classification Criteria Version 2. Collection method: clinical testing. Allele origin: germline. Affected: yes. Observed: 1 variant allele.
Comment: SKIC2: BP4, BP7

Labcorp Genetics (formerly Invitae), Labcorp
Classification: Likely benign. Last evaluated: 2026-02-01. Review status: criteria provided, single submitter. Criteria: Invitae Variant Classification Sherloc (09022015). Collection method: clinical testing. Allele origin: germline.

Blueprint Genetics
Classification: Likely benign. Last evaluated: 2024-10-09. Review status: criteria provided, single submitter. Criteria: ACMG Guidelines, 2015. Collection method: clinical testing. Allele origin: germline.

Illumina Laboratory Services, Illumina
Classification: Uncertain significance for Trichohepatoenteric syndrome 2. Last evaluated: 2018-01-12. Review status: criteria provided, single submitter. Criteria: ICSL Variant Classification Criteria 13 December 2019. Collection method: clinical testing. Allele origin: germline.